The following is an entry in ClinVar:

NM_000393.5(COL5A2):c.1972C>T (p.Pro658Ser)

Gene: COL5A2 (collagen type V alpha 2 chain; minus strand). Cytogenetic location: 2q32.2.
Variant type: single nucleotide variant.
Coding change: c.1972C>T on transcript NM_000393.5 (MANE Select); coding-DNA position 1972, C replaced by T.
Protein change: p.Pro658Ser; replaces proline 658 with serine.
Molecular consequence: missense variant.
Genome position (GRCh38, 1-based): chr2:189,062,870, G>A on the plus strand (C>T on the coding strand, the complement: COL5A2 is on the minus strand). VCF-style: chr2-189062870-G-A. GRCh37 (hg19) VCF-style: chr2-189927596-G-A.
Other names: short protein forms P658S.
Identifiers: ClinVar variation 840233 (VCV000840233.11), dbSNP rs1686065578, ClinGen allele CA349878911.

ClinVar aggregate classification (germline): Uncertain significance (1 of 4 stars; one submission).

Conditions:
Ehlers-Danlos syndrome, classic type, 1 (EDSCL1). Also called: Ehlers-Danlos syndrome, type 1; Ehlers-Danlos Syndrome, Classic Type, COL5A1-Related; EDS I; EHLERS-DANLOS SYNDROME, GRAVIS TYPE; EHLERS-DANLOS SYNDROME, SEVERE CLASSIC TYPE. Identifiers: MedGen C0268335, MONDO:0019567, OMIM 130000.

Allele frequency attached by ClinVar (database versions not stated): gnomAD exomes below 0.00001.
gnomAD v4.1: 3 of 1,613,810 alleles (0.00019%); highest among the groups gnomAD compares: Non-Finnish European, 0.00017%; no homozygotes.

Submission:

Labcorp Genetics (formerly Invitae), Labcorp
Classification: Uncertain significance for Ehlers-Danlos syndrome, classic type, 1. Last evaluated: 2023-12-07. Review status: criteria provided, single submitter. Criteria: Invitae Variant Classification Sherloc (09022015). Collection method: clinical testing. Allele origin: germline.
Comment: This sequence change replaces proline, which is neutral and non-polar, with serine, which is neutral and polar, at codon 658 of the COL5A2 protein (p.Pro658Ser). This variant is not present in population databases (gnomAD no frequency). This variant has not been reported in the literature in individuals affected with COL5A2-related conditions. ClinVar contains an entry for this variant (Variation ID: 840233). Advanced modeling of protein sequence and biophysical properties (such as structural, functional, and spatial information, amino acid conservation, physicochemical variation, residue mobility, and thermodynamic stability) performed at Invitae indicates that this missense variant is not expected to disrupt COL5A2 protein function with a negative predictive value of 80%. In summary, the available evidence is currently insufficient to determine the role of this variant in disease. Therefore, it has been classified as a Variant of Uncertain Significance.